The following is an entry in ClinVar:

NM_005186.4(CAPN1):c.1829T>G (p.Phe610Cys)

Genes: CAPN1 (calpain 1; plus strand), LOC126861236 (P300/CBP strongly-dependent group 1 enhancer GRCh37_chr11:64976880-64978079; plus strand). Cytogenetic location: 11q13.1.
Variant type: single nucleotide variant.
Coding change: c.1829T>G on transcript NM_005186.4 (MANE Select); coding-DNA position 1829, T replaced by G.
Protein change: p.Phe610Cys; replaces phenylalanine 610 with cysteine.
Molecular consequence: missense variant. On other transcripts: non-coding transcript variant (1).
Genome position (GRCh38, 1-based): chr11:65,209,883, T>G. VCF-style: chr11-65209883-T-G. GRCh37 (hg19) VCF-style: chr11-64977354-T-G.
Other names: p.Phe610Cys; c.1829T>G, p.Phe610Cys (NM_001198868.2, NM_001198869.2); c.1667T>G, p.Phe556Cys (NM_001198870.1); c.1829T>G (NM_001198868.1); short protein forms F556C, F610C.
Identifiers: ClinVar variation 2071485 (VCV002071485.5), dbSNP rs200876514, ClinGen allele CA6093570.
Genomic context (GRCh38, chr11:65,209,883, plus strand): 5'-GAATTTCCTTCTTAACGGCCACCCAGCGTGATGGCAATGGGAAGCTGGGCCTGGTGGAGT[T>G]CAACATCCTGTGGAACCGCATCCGGAATTACCTGGTAGGTTGTCCCCACTCACCTCAGTC-3'
Protein context (NP_005177.2, residues 600-620): DGNGKLGLVE[Phe610Cys]NILWNRIRNY

ClinVar aggregate classification (germline): Uncertain significance. Review status: criteria provided, multiple submitters, no conflicts (2 of 4 stars). 5 submissions from 5 submitters: Uncertain significance (5). Last evaluated 2026-08-01.

Allele frequency attached by ClinVar (database versions not stated): ExAC 0.00029; gnomAD 0.00042; TOPMed 0.00047; ESP Exome Variant Server 0.00056.
gnomAD v4.1: 1,195 of 1,613,596 alleles (0.074%); highest among the groups gnomAD compares: Non-Finnish European, 0.097%; 1 homozygote.

Submissions (5):

CeGaT Center for Human Genetics Tuebingen
Classification: Uncertain significance. Last evaluated: 2026-08-01. Review status: criteria provided, single submitter. Criteria: CeGaT Center For Human Genetics Tuebingen Variant Classification Criteria Version 2. Collection method: clinical testing. Allele origin: germline. Affected: yes. Observed: 2 variant alleles.
Comment: CAPN1: PP3

Blueprint Genetics
Classification: Uncertain significance. Last evaluated: 2024-08-13. Review status: criteria provided, single submitter. Criteria: ACMG Guidelines, 2015. Collection method: clinical testing. Allele origin: germline.

GeneDx
Classification: Uncertain significance. Last evaluated: 2024-05-30. Review status: criteria provided, single submitter. Criteria: GeneDx Variant Classification Process June 2021. Collection method: clinical testing. Allele origin: germline. Affected: yes.
Comment: Reported previously with another CAPN1 variant in trans in siblings with a clinical diagnosis of spinal muscular atrophy type 4 (PMID: 35126465); In silico analysis supports that this missense variant has a deleterious effect on protein structure/function; This variant is associated with the following publications: (PMID: 35126465)

Mayo Clinic Laboratories, Mayo Clinic
Classification: Uncertain significance. Last evaluated: 2024-02-12. Review status: criteria provided, single submitter. Criteria: ACMG Guidelines, 2015. Collection method: clinical testing. Allele origin: germline. Observed: 1 variant allele.
Comment: PP3

Labcorp Genetics (formerly Invitae), Labcorp
Classification: Uncertain significance. Last evaluated: 2022-07-26. Review status: criteria provided, single submitter. Criteria: Invitae Variant Classification Sherloc (09022015). Collection method: clinical testing. Allele origin: germline.
Comment: This sequence change replaces phenylalanine, which is neutral and non-polar, with cysteine, which is neutral and slightly polar, at codon 610 of the CAPN1 protein (p.Phe610Cys). This variant is present in population databases (rs200876514, gnomAD 0.07%). This variant has not been reported in the literature in individuals affected with CAPN1-related conditions. Algorithms developed to predict the effect of missense changes on protein structure and function are either unavailable or do not agree on the potential impact of this missense change (SIFT: "Deleterious"; PolyPhen-2: "Probably Damaging"; Align-GVGD: "Class C0"). In summary, the available evidence is currently insufficient to determine the role of this variant in disease. Therefore, it has been classified as a Variant of Uncertain Significance.

Literature cited by the submitters: PubMed 35126465 (cited by Mayo Clinic Laboratories, Mayo Clinic).